The following is an entry in ClinVar:

ClinVar aggregate classification (germline): Uncertain significance (1 of 4 stars; one submission).

Submission:

Labcorp Genetics (formerly Invitae), Labcorp
Classification: Uncertain significance. Last evaluated: 2023-12-12. Review status: criteria provided, single submitter. Criteria: Invitae Variant Classification Sherloc (09022015). Collection method: clinical testing. Allele origin: germline.
Comment: This sequence change replaces arginine, which is basic and polar, with leucine, which is neutral and non-polar, at codon 754 of the ZNF341 protein (p.Arg754Leu). This variant is not present in population databases (gnomAD no frequency). This variant has not been reported in the literature in individuals affected with ZNF341-related conditions. Algorithms developed to predict the effect of missense changes on protein structure and function output the following: SIFT: "Not Available"; PolyPhen-2: "Benign"; Align-GVGD: "Not Available". The leucine amino acid residue is found in multiple mammalian species, which suggests that this missense change does not adversely affect protein function. In summary, the available evidence is currently insufficient to determine the role of this variant in disease. Therefore, it has been classified as a Variant of Uncertain Significance.

NM_001282933.2(ZNF341):c.2282G>T (p.Arg761Leu)

Genes: ZNF341 (zinc finger protein 341; plus strand), ZNF341-AS1 (ZNF341 antisense RNA 1; minus strand). Cytogenetic location: 20q11.22.
Variant type: single nucleotide variant.
Coding change: c.2282G>T on transcript NM_001282933.2 (MANE Select); coding-DNA position 2282, G replaced by T.
Protein change: p.Arg761Leu; replaces arginine 761 with leucine.
Molecular consequence: missense variant. On other transcripts: non-coding transcript variant (1).
Genome position (GRCh38, 1-based): chr20:33,791,234, G>T. VCF-style: chr20-33791234-G-T. GRCh37 (hg19) VCF-style: chr20-32379040-G-T.
Other names: c.2012G>T, p.Arg671Leu (NM_001282935.2); c.2261G>T, p.Arg754Leu (NM_032819.5); short protein forms R671L, R761L, R754L.
Identifiers: ClinVar variation 2965676 (VCV002965676.2), dbSNP rs146184232, ClinGen allele CA408642239.
Genomic context (GRCh38, chr20:33,791,234, plus strand): 5'-TGCAAACCCGGCGGCCCCCCCAGAGGAGGGCAGCCCCCCGCAGTTGCGGCAGTGGTGGGC[G>T]CAAGGTGCTGACCCCCTTGCCTGACCCGCTGGGGCTGGAGGAGCTGAAGGACACAGGGGC-3'
Protein context (NP_001269862.1, residues 751-771): AAPRSCGSGG[Arg761Leu]KVLTPLPDPL